The following is an entry in ClinVar:

NM_005732.4(RAD50):c.1765C>T (p.Gln589Ter)

Gene: RAD50 (RAD50 double strand break repair protein; plus strand). Cytogenetic location: 5q31.1.
Variant type: single nucleotide variant.
Coding change: c.1765C>T on transcript NM_005732.4 (MANE Select); coding-DNA position 1765, C replaced by T.
Protein change: p.Gln589Ter; replaces glutamine 589 with a stop codon.
Molecular consequence: nonsense.
Genome position (GRCh38, 1-based): chr5:132,592,006, C>T. VCF-style: chr5-132592006-C-T. GRCh37 (hg19) VCF-style: chr5-131927698-C-T.
Other names: short protein forms Q589*.
Identifiers: ClinVar variation 566732 (VCV000566732.8), dbSNP rs1561641132, ClinGen allele CA360946706.

ClinVar aggregate classification (germline): Pathogenic (1 of 4 stars; one submission).

Conditions:
Hereditary cancer-predisposing syndrome. Also called: Neoplastic Syndromes, Hereditary; Tumor predisposition; Hereditary neoplastic syndrome; Hereditary Cancer Syndrome. Identifiers: Orphanet 140162, MedGen C0027672, MeSH D009386, MONDO:0015356.

Allele frequency attached by ClinVar (database versions not stated): gnomAD exomes below 0.00001.
gnomAD v4.1: 2 of 1,612,988 alleles (0.00012%); highest among the groups gnomAD compares: Non-Finnish European, 0.000085%; no homozygotes.

Submission:

Labcorp Genetics (formerly Invitae), Labcorp
Classification: Pathogenic for Hereditary cancer-predisposing syndrome. Last evaluated: 2022-02-28. Review status: criteria provided, single submitter. Criteria: Invitae Variant Classification Sherloc (09022015). Collection method: clinical testing. Allele origin: germline.
Comment: This sequence change creates a premature translational stop signal (p.Gln589*) in the RAD50 gene. It is expected to result in an absent or disrupted protein product. Loss-of-function variants in RAD50 are known to be pathogenic (PMID: 19409520). This variant is not present in population databases (gnomAD no frequency). This variant has not been reported in the literature in individuals affected with RAD50-related conditions. ClinVar contains an entry for this variant (Variation ID: 566732). For these reasons, this variant has been classified as Pathogenic.

Literature cited by the submitters: PubMed 19409520.